The following is an entry in ClinVar:

ClinVar aggregate classification (germline): Pathogenic. Review status: criteria provided, multiple submitters, no conflicts (2 of 4 stars). 6 submissions from 6 submitters: Pathogenic (5). 1 of the submissions does not count toward it. Last evaluated 2025-07-02.

Conditions:
BTD-related disorder. Also called: BTD-related condition.
Biotinidase deficiency. Also called: BTD deficiency; Late-onset biotin-responsive multiple carboxylase deficiency; Biotin deficiency. Identifiers: Orphanet 79241, MedGen C0220754, MONDO:0009665, OMIM 253260.

Allele frequency attached by ClinVar (database versions not stated): gnomAD exomes below 0.00001.
gnomAD v4.1: 4 of 1,614,194 alleles (0.00025%); highest among the groups gnomAD compares: South Asian, 0.0022%; no homozygotes.

Submissions (6):

Women's Health and Genetics/Laboratory Corporation of America, LabCorp
Classification: Pathogenic for Biotinidase deficiency. Last evaluated: 2025-07-02. Review status: criteria provided, single submitter. Criteria: LabCorp Variant Classification Summary - May 2015. Collection method: clinical testing. Allele origin: germline.
Comment: Variant summary: BTD c.1279C>T (p.His427Tyr) results in a conservative amino acid change in the encoded protein sequence. Algorithms developed to predict the effect of missense changes on protein structure and function are either unavailable or do not agree on the potential impact of this missense change. The variant allele was found at a frequency of 4e-06 in 251440 control chromosomes. c.1279C>T has been observed in homozygous individual(s) affected with Biotinidase Deficiency (e.g. Chedrawi_2008, Raha_2011). These data indicate that the variant is likely to be associated with disease. A different variant affecting the same codon has been classified as likely pathogenic/pathogenic by our lab (c.1280A>G, p.His427Arg), supporting the critical relevance of codon 427 to BTD protein function. To our knowledge, no experimental evidence demonstrating an impact on protein function has been reported. The following publications have been ascertained in the context of this evaluation (PMID: 18645204, 21907891). ClinVar contains an entry for this variant (Variation ID: 25083). Based on the evidence outlined above, the variant was classified as pathogenic.

GeneDx
Classification: Pathogenic. Last evaluated: 2025-06-04. Review status: criteria provided, single submitter. Criteria: GeneDx Variant Classification Process June 2021. Collection method: clinical testing. Allele origin: germline. Affected: yes.
Comment: In silico analysis supports that this missense variant has a deleterious effect on protein structure/function; Not observed at significant frequency in large population cohorts (gnomAD); Also known as p.(H447Y), c.1339 C>T; This variant is associated with the following publications: (PMID: 18645204, 25754625, 21907891, 33312878, 35936612, 38299772)

Labcorp Genetics (formerly Invitae), Labcorp
Classification: Pathogenic for Biotinidase deficiency. Last evaluated: 2025-04-11. Review status: criteria provided, single submitter. Criteria: Invitae Variant Classification Sherloc (09022015). Collection method: clinical testing. Allele origin: germline.
Comment: This sequence change replaces histidine, which is basic and polar, with tyrosine, which is neutral and polar, at codon 447 of the BTD protein (p.His447Tyr). This variant is present in population databases (rs397514418, gnomAD 0.003%). This missense change has been observed in individual(s) with biotinidase deficiency (PMID: 18645204, 21907891). ClinVar contains an entry for this variant (Variation ID: 25083). Invitae Evidence Modeling of protein sequence and biophysical properties (such as structural, functional, and spatial information, amino acid conservation, physicochemical variation, residue mobility, and thermodynamic stability) indicates that this missense variant is expected to disrupt BTD protein function with a positive predictive value of 95%. For these reasons, this variant has been classified as Pathogenic.

PreventionGenetics, part of Exact Sciences
Classification: Pathogenic for BTD-related condition. Last evaluated: 2024-10-21. Review status: criteria provided, single submitter. Criteria: ACMG Guidelines, 2015. Collection method: clinical testing. Allele origin: germline.
Comment: The BTD c.1339C>T variant is predicted to result in the amino acid substitution p.His447Tyr. This variant was reported in the homozygous state in three unrelated individuals with enzymatically confirmed profound biotinidase deficiency. In two of the reported individuals, clinical symptoms were nearly completely resolved after biotin therapy (Chedrawi et al. 2008. PubMed ID: 18645204; Raha et al. 2011. PubMed ID: 21907891; Karaca et al. 2015. PubMed ID: 25754625). It was also reported in a study of individuals with abnormal newborn screening results for biotinidase deficiency, although no additional genetic or clinical information was provided in that study (Gannavarapu et al. 2015. PubMed ID: 26361991). This variant is reported in 0.0033% of alleles in individuals of South Asian descent in gnomAD. This variant is interpreted as pathogenic.

Kasturba Medical College, Manipal, Kasturba Medical College, Manipal, Manipal Academy of Higher Education, Manipal, India
Classification: Pathogenic for Biotinidase deficiency. Review status: criteria provided, single submitter. Criteria: ACMG Guidelines, 2015. Collection method: research. Allele origin: inherited. Affected: yes.

Counsyl
Classification: Likely pathogenic for Biotinidase deficiency. Last evaluated: 2017-07-19. Review status: no assertion criteria provided. Collection method: clinical testing. Allele origin: unknown. Not counted in ClinVar's aggregate classification.

Literature cited by the submitters: PubMed 18645204 (cited by 3 submitters); PubMed 21907891 (cited by 3 submitters); PubMed 25754625 (cited by Counsyl); PubMed 26361991 (cited by Counsyl); PubMed 20556795 (cited by Counsyl).

NM_001370658.1(BTD):c.1279C>T (p.His427Tyr)

Gene: BTD (biotinidase; plus strand). Cytogenetic location: 3p25.1.
Variant type: single nucleotide variant.
Coding change: c.1279C>T on transcript NM_001370658.1 (MANE Select); coding-DNA position 1279, C replaced by T.
Protein change: p.His427Tyr; replaces histidine 427 with tyrosine.
Molecular consequence: missense variant. On other transcripts: intron variant (2).
Genome position (GRCh38, 1-based): chr3:15,645,195, C>T. VCF-style: chr3-15645195-C-T. GRCh37 (hg19) VCF-style: chr3-15686702-C-T.
Other names: c.1339C>T, p.His447Tyr (NM_000060.4); c.1279C>T, p.His427Tyr (NM_001281723.4, NM_001281724.3, NM_001281725.3 and 16 more transcripts); c.1015+264C>T (NM_001370752.1); c.399+3138C>T (NM_001370753.1); short protein forms H427Y.
Identifiers: ClinVar variation 25083 (VCV000025083.13), dbSNP rs397514418, ClinGen allele CA278332.